The following is an entry in ClinVar:

ClinVar aggregate classification (germline): Conflicting classifications of pathogenicity. Review status: criteria provided, conflicting classifications (1 of 4 stars). 9 submissions from 9 submitters: Likely pathogenic (5); Uncertain significance (4). Last evaluated 2026-09-10.

Conditions:
MYH7-related disorder. Also called: MYH7-related condition; MYH7-related disease; MYH7-related disorders.
Cardiovascular phenotype. Identifiers: MedGen CN230736.
Myosin storage myopathy (CMYO7A). Also called: MYH7-related late-onset scapuloperoneal muscular dystrophy; Congenital myopathy 7A, myosin storage, autosomal dominant; MYOPATHY, HYALINE BODY, AUTOSOMAL DOMINANT; MYOPATHY WITH LYSIS OF TYPE I MYOFIBRILS; SCAPULOPERONEAL MUSCULAR DYSTROPHY; SCAPULOPERONEAL SYNDROME, MYOPATHIC TYPE. Identifiers: Orphanet 437572, Orphanet 636965, MedGen C1842160, MONDO:0008409, OMIM 608358.
Cardiomyopathy (CMYO). Also called: Cardiomyopathies. Identifiers: Orphanet 167848, MedGen C0878544, MONDO:0004994, HP:0001638. Inheritance: Various modes of inheritance.
Dilated cardiomyopathy 1S (CMD1S). Identifiers: Orphanet 154, Orphanet 54260, MedGen C1834481, MONDO:0013262, OMIM 613426.
Hypertrophic cardiomyopathy. Also called: HYPERTROPHIC MYOCARDIOPATHY. Identifiers: Orphanet 217569, MedGen C0007194, MeSH D002312, MONDO:0005045, HP:0001639.

Allele frequency attached by ClinVar (database versions not stated): gnomAD exomes below 0.00001.
gnomAD v4.1: 2 of 1,614,080 alleles (0.00012%); highest among the groups gnomAD compares: South Asian, 0.0011%; no homozygotes.

Submissions (9):

Ambry Genetics
Classification: Uncertain significance for Cardiovascular phenotype. Last evaluated: 2026-09-10. Review status: criteria provided, single submitter. Criteria: Ambry Variant Classification Scheme 2023. Collection method: clinical testing. Allele origin: germline.
Comment: The p.R1053W variant (also known as c.3157C>T), located in coding exon 23 of the MYH7 gene, results from a C to T substitution at nucleotide position 3157. The arginine at codon 1053 is replaced by tryptophan, an amino acid with dissimilar properties. This variant has been detected in an individual with dilated cardiomyopathy (Trachoo O et al. PLoS One. 2022 Sep;17(9):e0267770). Another alteration at the same codon, p.R1053Q (c.3158G>A), has been detected in individuals with hypertrophic cardiomyopathy (HCM) and has been described as a Finnish founder mutation (J&auml;&auml;skel&auml;inen P et al. Ann. Med., 2014 Sep;46:424-9; Walsh R et al. Genet Med, 2017 02;19:192-203; J&auml;&auml;skel&auml;inen P et al. ESC Heart Fail, 2019 Apr;6:436-445). This amino acid position is highly conserved in available vertebrate species. In addition, this alteration is predicted to be deleterious by in silico analysis. Based on the available evidence, the clinical significance of this variant remains unclear.

Genomic Medicine Center of Excellence, King Faisal Specialist Hospital and Research Centre
Classification: Likely pathogenic for Myosin storage myopathy. Last evaluated: 2025-09-10. Review status: criteria provided, single submitter. Criteria: ACMG Guidelines, 2015. Collection method: clinical testing. Allele origin: germline.

Labcorp Genetics (formerly Invitae), Labcorp
Classification: Likely pathogenic for Hypertrophic cardiomyopathy. Last evaluated: 2025-05-04. Review status: criteria provided, single submitter. Criteria: Invitae Variant Classification Sherloc (09022015). Collection method: clinical testing. Allele origin: germline.
Comment: This sequence change replaces arginine, which is basic and polar, with tryptophan, which is neutral and slightly polar, at codon 1053 of the MYH7 protein (p.Arg1053Trp). This variant is not present in population databases (gnomAD no frequency). This missense change has been observed in individual(s) with idiopathic dilated cardiomyopathy (PMID: 36166435). ClinVar contains an entry for this variant (Variation ID: 181382). Invitae Evidence Modeling of protein sequence and biophysical properties (such as structural, functional, and spatial information, amino acid conservation, physicochemical variation, residue mobility, and thermodynamic stability) indicates that this missense variant is expected to disrupt MYH7 protein function with a positive predictive value of 95%. This variant disrupts the p.Arg1053 amino acid residue in MYH7. Other variant(s) that disrupt this residue have been determined to be pathogenic (PMID: 15556047, 20624503, 24888384, 27247418, 27460395, 27532257). This suggests that this residue is clinically significant, and that variants that disrupt this residue are likely to be disease-causing. In summary, the currently available evidence indicates that the variant is pathogenic, but additional data are needed to prove that conclusively. Therefore, this variant has been classified as Likely Pathogenic.

Molecular Diagnostic Laboratory for Inherited Cardiovascular Disease, Montreal Heart Institute
Classification: Uncertain significance for Cardiovascular phenotype. Last evaluated: 2025-04-09. Review status: criteria provided, single submitter. Criteria: ACMG Guidelines, 2015. Collection method: clinical testing. Allele origin: germline. Affected: yes.
Comment: PM2, PM5, PP3

Clinical Genetics Laboratory, Skane University Hospital Lund
Classification: Likely pathogenic for Cardiomyopathy. Last evaluated: 2025-03-26. Review status: criteria provided, single submitter. Criteria: ACMG Guidelines, 2015. Collection method: clinical testing. Allele origin: germline. Inheritance: Autosomal dominant inheritance. Affected: yes.
Comment: Classified as likely pathogenic using ClinGen Cardiomyopathy Expert Panel Specifications to the ACMG/AMP Variant Interpretation Guidelines for MYH7 Version 2.0.0: PS4, PM2_Supporting, PM5_Supporting, PP3.

Color Diagnostics, LLC DBA Color Health
Classification: Uncertain significance for Cardiomyopathy. Last evaluated: 2024-07-16. Review status: criteria provided, single submitter. Criteria: ACMG Guidelines, 2015. Collection method: clinical testing. Allele origin: germline.
Comment: This missense variant replaces arginine with tryptophan at codon 1053 of the MYH7 protein. Computational prediction tools indicate that this variant has a deleterious impact on protein structure and function. To our knowledge, functional studies have not been reported for this variant. This variant has been reported in an individual affected with dilated cardiomyopathy (PMID: 36166435). This variant has not been identified in the general population by the Genome Aggregation Database (gnomAD). A different variant affecting the same codon, p.Arg1053Gln, is considered to be disease-causing (ClinVar variation ID: 155814), suggesting that arginine at this position is important for MYH7 protein function. The available evidence is insufficient to determine the role of this variant in disease conclusively. Therefore, this variant is classified as a Variant of Uncertain Significance.

CHEO Genetics Diagnostic Laboratory, Children's Hospital of Eastern Ontario
Classification: Uncertain significance for Cardiomyopathy. Last evaluated: 2021-04-08. Review status: criteria provided, single submitter. Criteria: ACMG Guidelines, 2015. Collection method: clinical testing. Allele origin: germline. Study: Canadian Open Genetics Repository.

Blueprint Genetics
Classification: Likely pathogenic for MYH7-related disorders. Last evaluated: 2017-11-29. Review status: criteria provided, single submitter. Criteria: ACMG Guidelines, 2015. Collection method: clinical testing. Allele origin: germline. Affected: yes. Observed: 1 variant allele.

Neuberg Centre For Genomic Medicine, NCGM
Classification: Likely pathogenic for Dilated cardiomyopathy 1S. Review status: criteria provided, single submitter. Criteria: ACMG Guidelines, 2015. Collection method: clinical testing. Allele origin: germline. Inheritance: Autosomal dominant inheritance. Affected: yes.
Comment: Another missense variant [c.3158G>A (p.Arg1053Gln)] on the same residue of this gene has previously been reported as pathogenic/likely pathogenic in multiple individuals with HCM (Jääskeläinen P, et al., 2014; Kärkkäinen S, et al., 2004) and has also been submitted as Pathogenic/ Likely pathogenic on ClinVar database, suggesting that this residue might be of clinical significance. For these reasons, the detected variant has been classified as Likely Pathogenic.

Literature cited by the submitters: PubMed 36166435 (cited by 3 submitters); PubMed 15556047 (cited by Labcorp Genetics (formerly Invitae), Labcorp); PubMed 20624503 (cited by Labcorp Genetics (formerly Invitae), Labcorp); PubMed 24888384 (cited by Labcorp Genetics (formerly Invitae), Labcorp); PubMed 27247418 (cited by Labcorp Genetics (formerly Invitae), Labcorp); PubMed 27460395 (cited by Labcorp Genetics (formerly Invitae), Labcorp); PubMed 27532257 (cited by Labcorp Genetics (formerly Invitae), Labcorp).

NM_000257.4(MYH7):c.3157C>T (p.Arg1053Trp)

Gene: MYH7 (myosin heavy chain 7; minus strand). Cytogenetic location: 14q11.2.
Variant type: single nucleotide variant.
Coding change: c.3157C>T on transcript NM_000257.4 (MANE Select); coding-DNA position 3157, C replaced by T.
Protein change: p.Arg1053Trp; replaces arginine 1053 with tryptophan.
Molecular consequence: missense variant.
Genome position (GRCh38, 1-based): chr14:23,422,268, G>A on the plus strand (C>T on the coding strand, the complement: MYH7 is on the minus strand). VCF-style: chr14-23422268-G-A. GRCh37 (hg19) VCF-style: chr14-23891477-G-A.
Other names: c.3157C>T (LRG_384t1); short protein forms R1053W.
Identifiers: ClinVar variation 181382 (VCV000181382.19), dbSNP rs730880903, ClinGen allele CA013411.